The following is an entry in ClinVar:

NM_000081.4(LYST):c.4688+1G>A

Gene: LYST (lysosomal trafficking regulator; minus strand). Cytogenetic location: 1q42.3.
Variant type: single nucleotide variant.
Coding change: c.4688+1G>A on transcript NM_000081.4 (MANE Select); the canonical splice donor site of the intron after coding-DNA position 4688, G replaced by A.
Molecular consequence: splice donor variant.
Genome position (GRCh38, 1-based): chr1:235,788,700, C>T on the plus strand (G>A on the coding strand, the complement: LYST is on the minus strand). VCF-style: chr1-235788700-C-T. GRCh37 (hg19) VCF-style: chr1-235952000-C-T.
Other names: c.4688+1G>A (NM_001301365.1).
Identifiers: ClinVar variation 429517 (VCV000429517.2), dbSNP rs1131691428, ClinGen allele CA344957938.

ClinVar aggregate classification (germline): Likely pathogenic (1 of 4 stars; one submission).

Submission:

GeneDx
Classification: Likely pathogenic. Last evaluated: 2017-04-27. Review status: criteria provided, single submitter. Criteria: GeneDx Variant Classification (06012015). Collection method: clinical testing. Allele origin: germline. Affected: yes.
Comment: The c.4688+1G>A variant in the LYST gene has not been reported previously as a pathogenic variant nor as a benign variant, to our knowledge. This splice site variant destroys the canonical splice donor site in intron 13. It is predicted to cause abnormal gene splicing, either leading to an abnormal message that is subject to nonsense-mediated mRNA decay, or to an abnormal protein product if the message is used for protein translation. The c.4688+1G>A variant is not observed in large population cohorts (Lek et al., 2016; 1000 Genomes Consortium et al., 2015; Exome Variant Server). We interpret c.4688+1G>A as a likely pathogenic variant.